The following is an entry in ClinVar:

NM_000388.4(CASR):c.493-1G>A

Gene: CASR (calcium sensing receptor; plus strand). Cytogenetic location: 3q21.1.
Variant type: single nucleotide variant.
Coding change: c.493-1G>A on transcript NM_000388.4 (MANE Select); the canonical splice acceptor site of the intron before coding-DNA position 493, G replaced by A.
Molecular consequence: splice acceptor variant.
Genome position (GRCh38, 1-based): chr3:122,261,527, G>A. VCF-style: chr3-122261527-G-A. GRCh37 (hg19) VCF-style: chr3-121980374-G-A.
Other names: c.493-1G>A (NM_001178065.2).
Identifiers: ClinVar variation 3759090 (VCV003759090.2).

ClinVar aggregate classification (germline): Likely pathogenic (1 of 4 stars; one submission).

Conditions:
Autosomal dominant hypocalcemia 1 (HYPOC1). Also called: HYPOCALCEMIA, FAMILIAL. Identifiers: MedGen C3715128, MONDO:0011013, OMIM 601198.
Familial hypocalciuric hypercalcemia (FHH). Also called: Familial benign hypercalcemia. Identifiers: Orphanet 405, MedGen C1809471, MONDO:0018458.

gnomAD v4.1: 2 of 1,614,016 alleles (0.00012%); highest among the groups gnomAD compares: Non-Finnish European, 0.00017%; no homozygotes.

Submission:

Labcorp Genetics (formerly Invitae), Labcorp
Classification: Likely pathogenic for Familial hypocalciuric hypercalcemia; Autosomal dominant hypocalcemia 1. Last evaluated: 2024-02-03. Review status: criteria provided, single submitter. Criteria: Invitae Variant Classification Sherloc (09022015). Collection method: clinical testing. Allele origin: germline.
Comment: This sequence change affects an acceptor splice site in intron 3 of the CASR gene. It is expected to disrupt RNA splicing. Variants that disrupt the donor or acceptor splice site typically lead to a loss of protein function (PMID: 16199547), and loss-of-function variants in CASR are known to be pathogenic (PMID: 11807402, 14985373, 22422767). This variant is present in population databases (rs763030823, gnomAD 0.0009%). Disruption of this splice site has been observed in individual(s) with clinical features of CASR-related conditions (PMID: 22422767). Algorithms developed to predict the effect of sequence changes on RNA splicing suggest that this variant may disrupt the consensus splice site. In summary, the currently available evidence indicates that the variant is pathogenic, but additional data are needed to prove that conclusively. Therefore, this variant has been classified as Likely Pathogenic.

Literature cited by the submitters: PubMed 16199547; PubMed 11807402; PubMed 14985373; PubMed 22422767.